The following is an entry in ClinVar:

NM_000089.4(COL1A2):c.2098G>C (p.Gly700Arg)

Gene: COL1A2 (collagen type I alpha 2 chain; plus strand). Cytogenetic location: 7q21.3.
Variant type: single nucleotide variant.
Coding change: c.2098G>C on transcript NM_000089.4 (MANE Select); coding-DNA position 2098, G replaced by C.
Protein change: p.Gly700Arg; replaces glycine 700 with arginine.
Molecular consequence: missense variant.
Genome position (GRCh38, 1-based): chr7:94,420,251, G>C. VCF-style: chr7-94420251-G-C. GRCh37 (hg19) VCF-style: chr7-94049563-G-C.
Other names: short protein forms G700R.
Identifiers: ClinVar variation 664575 (VCV000664575.10), dbSNP rs72658160, ClinGen allele CA368223242.
Genomic context (GRCh38, chr7:94,420,251, plus strand): 5'-ATGTCAGGCACATTAACAGATTCATCTTTGGTCCCATTATAGGGCGAAGCTGGGGCTGCT[G>C]GTCCTGCTGGTCCTGCTGGTCCTCGGGGAAGCCCTGTAAGTAAGAACCTGGGTCATTTTG-3'
Protein context (NP_000080.2, residues 690-710): TGDRGEAGAA[Gly700Arg]PAGPAGPRGS

ClinVar aggregate classification (germline): Pathogenic. Review status: criteria provided, multiple submitters, no conflicts (2 of 4 stars). 2 submissions from 2 submitters: Pathogenic (2). Last evaluated 2018-09-24.

Conditions:
Osteogenesis imperfecta type I (OI1). Also called: OI, TYPE I; OSTEOGENESIS IMPERFECTA TARDA; OSTEOGENESIS IMPERFECTA WITH BLUE SCLERAE; Osteogenesis imperfecta type 1; Classic Non-deforming Osteogenesis Imperfecta with Blue Sclerae; Lobstein's Disease. Identifiers: Orphanet 216796, Orphanet 666, MedGen C0023931, MONDO:0008146, OMIM 166200. Disease mechanism: loss of function.
Ehlers-Danlos syndrome, classic type, 1 (EDSCL1). Also called: EDS I; EHLERS-DANLOS SYNDROME, GRAVIS TYPE; EHLERS-DANLOS SYNDROME, SEVERE CLASSIC TYPE; Ehlers-Danlos Syndrome, Classic Type, COL5A1-Related; Ehlers-Danlos syndrome, type 1. Identifiers: MedGen C0268335, MONDO:0019567, OMIM 130000.
Osteogenesis imperfecta with normal sclerae, dominant form (OI4). Also called: OSTEOGENESIS IMPERFECTA, TYPE IV, WITH DENTINOGENESIS IMPERFECTA; OSTEOGENESIS IMPERFECTA WITH NORMAL SCLERAE; Osteogenesis imperfecta type 4; Common Variable Osteogenesis Imperfecta with Normal Sclerae; Osteogenesis Imperfecta Type IV. Identifiers: Orphanet 216820, Orphanet 666, MedGen C0268363, MONDO:0008148, OMIM 166220.

Submissions (2):

Labcorp Genetics (formerly Invitae), Labcorp
Classification: Pathogenic for Osteogenesis imperfecta type I; Ehlers-Danlos syndrome, classic type, 1. Last evaluated: 2018-09-24. Review status: criteria provided, single submitter. Criteria: Invitae Variant Classification Sherloc (09022015). Collection method: clinical testing. Allele origin: germline.
Comment: Glycine residues within the Gly-Xaa-Yaa repeats of the triple helix domain are required for the structure and stability of fibrillar collagens (PMID: 7695699, 8218237, 19344236). In COL1A2, missense variants at these glycine residues are significantly enriched in individuals with disease (PMID: 9016532, 17078022) compared to the general population (ExAC). This sequence change replaces glycine with arginine at codon 700 of the COL1A2 protein (p.Gly700Arg). The glycine residue is highly conserved and there is a moderate physicochemical difference between glycine and arginine. This variant is not present in population databases (ExAC no frequency). Disruption of this glycine residue has been observed in individuals affected with osteogenesis imperfecta (PMID: 27509835, 17078022, 19594296). This residue is also referred to as p.Gly610 in the literature. For these reasons, this variant has been classified as Pathogenic.

Clinical Biomedical Laboratory, Shriners Hospital For Children - Canada
Classification: Pathogenic for Osteogenesis imperfecta with normal sclerae, dominant form. Review status: criteria provided, single submitter. Criteria: ACMG Guidelines, 2015. Collection method: clinical testing. Allele origin: germline. Affected: yes.
Comment: This variant is predicted to substitute a glycine residue by an arginine residue in the triple helical domain of the collagen type I alpha 2 chain. The variant is absent in the Genome Aggregation Database (gnomAD v2.1.1), indicating it is very rare. Computational tools (REVEL: 0.98) suggest that the amino acid change is damaging to protein function. This variant has been reported in the literature as a cause of osteogenesis imperfecta several times (e.g., PMID 27509835). Glycine substitutions in the triple helical domain of the collagen type I alpha 2 chain cause disruption in the formation of the triple helix in the collagen type I molecule and are a typical cause of osteogenesis imperfecta. Based on the ACMG variant interpretation guidelines (criteria: PS3, PM2, PM5, PP2, PP3), the available evidence supports classification of this variant as pathogenic.

Literature cited by the submitters: PubMed 7695699 (cited by Labcorp Genetics (formerly Invitae), Labcorp); PubMed 8218237 (cited by Labcorp Genetics (formerly Invitae), Labcorp); PubMed 19344236 (cited by Labcorp Genetics (formerly Invitae), Labcorp); PubMed 9016532 (cited by Labcorp Genetics (formerly Invitae), Labcorp); PubMed 17078022 (cited by Labcorp Genetics (formerly Invitae), Labcorp); PubMed 27509835 (cited by Labcorp Genetics (formerly Invitae), Labcorp); PubMed 19594296 (cited by Labcorp Genetics (formerly Invitae), Labcorp).